The following is an entry in ClinVar:

NM_002878.4(RAD51D):c.71G>A (p.Arg24Lys)

Genes: RAD51L3-RFFL (RAD51L3-RFFL readthrough; minus strand), RAD51D (RAD51 paralog D; minus strand). Cytogenetic location: 17q12.
Variant type: single nucleotide variant.
Coding change: c.71G>A on transcript NM_002878.4 (MANE Select); coding-DNA position 71, G replaced by A.
Protein change: p.Arg24Lys; replaces arginine 24 with lysine.
Molecular consequence: missense variant. On other transcripts: non-coding transcript variant (2).
Genome position (GRCh38, 1-based): chr17:35,119,543, C>T on the plus strand (G>A on the coding strand, the complement: RAD51D is on the minus strand). VCF-style: chr17-35119543-C-T. GRCh37 (hg19) VCF-style: chr17-33446562-C-T.
Other names: c.71G>A, p.Arg24Lys (NM_001142571.2, NM_133629.3); short protein forms R24K.
Identifiers: ClinVar variation 630484 (VCV000630484.40), dbSNP rs947444435, ClinGen allele CA290007242.

ClinVar aggregate classification (germline): Conflicting classifications of pathogenicity. Review status: criteria provided, conflicting classifications (1 of 4 stars). 4 submissions from 4 submitters: Uncertain significance (3); Likely benign (1). Last evaluated 2024-06-04.

Conditions:
Hereditary cancer-predisposing syndrome. Also called: Neoplastic Syndromes, Hereditary; Hereditary Cancer Syndrome; Tumor predisposition; Hereditary neoplastic syndrome. Identifiers: Orphanet 140162, MedGen C0027672, MeSH D009386, MONDO:0015356.
Breast-ovarian cancer, familial, susceptibility to, 4. Identifiers: Orphanet 145, MedGen C3280345, MONDO:0013669, OMIM 614291.

Allele frequency attached by ClinVar (database versions not stated): gnomAD exomes below 0.00001.
gnomAD v4.1: 3 of 1,612,354 alleles (0.00019%); highest among the groups gnomAD compares: Non-Finnish European, 0.00025%; no homozygotes.

Submissions (4):

Labcorp Genetics (formerly Invitae), Labcorp
Classification: Uncertain significance for Breast-ovarian cancer, familial, susceptibility to, 4. Last evaluated: 2024-06-04. Review status: criteria provided, single submitter. Criteria: Invitae Variant Classification Sherloc (09022015). Collection method: clinical testing. Allele origin: germline.
Comment: This sequence change replaces arginine, which is basic and polar, with lysine, which is basic and polar, at codon 24 of the RAD51D protein (p.Arg24Lys). This variant is not present in population databases (gnomAD no frequency). This variant has not been reported in the literature in individuals affected with RAD51D-related conditions. ClinVar contains an entry for this variant (Variation ID: 630484). An algorithm developed to predict the effect of missense changes on protein structure and function (PolyPhen-2) suggests that this variant is likely to be tolerated. In summary, the available evidence is currently insufficient to determine the role of this variant in disease. Therefore, it has been classified as a Variant of Uncertain Significance.

Color Diagnostics, LLC DBA Color Health
Classification: Uncertain significance for Hereditary cancer-predisposing syndrome. Last evaluated: 2024-03-06. Review status: criteria provided, single submitter. Criteria: ACMG Guidelines, 2015. Collection method: clinical testing. Allele origin: germline.
Comment: This missense variant replaces arginine with lysine at codon 24 of the RAD51D protein. Computational prediction suggests that this variant may not impact protein structure and function (internally defined REVEL score threshold <= 0.5, PMID: 27666373). To our knowledge, functional studies have not been reported for this variant. This variant has not been reported in individuals affected with RAD51D-related disorders in the literature. This variant has not been identified in the general population by the Genome Aggregation Database (gnomAD). The available evidence is insufficient to determine the role of this variant in disease conclusively. Therefore, this variant is classified as a Variant of Uncertain Significance.

Ambry Genetics
Classification: Likely benign for Hereditary cancer-predisposing syndrome. Last evaluated: 2024-02-26. Review status: criteria provided, single submitter. Criteria: Ambry Variant Classification Scheme 2023. Collection method: clinical testing. Allele origin: germline.

CeGaT Center for Human Genetics Tuebingen
Classification: Uncertain significance. Last evaluated: 2023-09-01. Review status: criteria provided, single submitter. Criteria: CeGaT Center For Human Genetics Tuebingen Variant Classification Criteria Version 2. Collection method: clinical testing. Allele origin: germline. Affected: yes. Observed: 1 variant allele.
Comment: RAD51D: PM2, BP1, BP4